The following is an entry in ClinVar:

NM_001267550.2(TTN):c.7393G>A (p.Glu2465Lys)

Genes: TTN (titin; minus strand), LOC126806433 (BRD4-independent group 4 enhancer GRCh37_chr2:179638309-179639508; plus strand). Cytogenetic location: 2q31.2.
Variant type: single nucleotide variant.
Coding change: c.7393G>A on transcript NM_001267550.2 (MANE Select); coding-DNA position 7393, G replaced by A.
Protein change: p.Glu2465Lys; replaces glutamic acid 2465 with lysine.
Molecular consequence: missense variant.
Genome position (GRCh38, 1-based): chr2:178,773,663, C>T on the plus strand (G>A on the coding strand, the complement: TTN is on the minus strand). VCF-style: chr2-178773663-C-T. GRCh37 (hg19) VCF-style: chr2-179638390-C-T.
Other names: c.7393G>A, p.Glu2465Lys (NM_001256850.1, NM_133378.4, NM_133379.5); c.7255G>A, p.Glu2419Lys (NM_003319.4, NM_133432.3, NM_133437.4); short protein forms E2419K, E2465K.
Identifiers: ClinVar variation 4978877 (VCV004978877.1).

ClinVar aggregate classification (germline): Uncertain significance (1 of 4 stars; one submission).

Conditions:
TTN-related disorder. Also called: TTN-related condition; TTN-related disease; TTN-related disorders.

gnomAD v4.1: 4 of 1,613,916 alleles (0.00025%); highest among the groups gnomAD compares: Admixed American, 0.0033%; no homozygotes.

Submission:

PreventionGenetics, part of Exact Sciences
Classification: Uncertain significance for TTN-related condition. Last evaluated: 2026-03-23. Review status: criteria provided, single submitter. Criteria: ACMG Guidelines, 2015. Collection method: clinical testing. Allele origin: germline.
Comment: The TTN c.7393G>A variant is predicted to result in the amino acid substitution p.Glu2465Lys. To our knowledge, this variant has not been reported in the literature or in a large population database (gnomAD), indicating this variant is rare. At this time, the clinical significance of this variant is uncertain due to the absence of conclusive functional and genetic evidence.